The following is an entry in ClinVar:

ClinVar aggregate classification (germline): Conflicting classifications of pathogenicity. Review status: criteria provided, conflicting classifications (1 of 4 stars). 6 submissions from 6 submitters: Uncertain significance (3); Likely benign (1). 2 of the submissions do not count toward it. Last evaluated 2026-02-01.

Conditions:
Cohen syndrome (COH1). Also called: PEPPER SYNDROME; Cutis verticis gyrata, retinitis pigmentosa, and sensorineural deafness. Identifiers: Orphanet 193, MedGen C0265223, MONDO:0008999, OMIM 216550.
VPS13B-related disorder. Also called: VPS13B-related condition.

Allele frequency attached by ClinVar (database versions not stated): gnomAD below 0.00001 and 0.00009; TOPMed 0.00003; gnomAD exomes 0.00015 and 0.00032; ExAC 0.00036; 1000 Genomes Project 30x 0.00062; 1000 Genomes Project 0.00080.
gnomAD v4.1: 239 of 1,613,220 alleles (0.015%); highest among the groups gnomAD compares: South Asian, 0.25%; 2 homozygotes.

Submissions (6):

Labcorp Genetics (formerly Invitae), Labcorp
Classification: Likely benign for Cohen syndrome. Last evaluated: 2026-02-01. Review status: criteria provided, single submitter. Criteria: Invitae Variant Classification Sherloc (09022015). Collection method: clinical testing. Allele origin: germline.

Blueprint Genetics
Classification: Uncertain significance. Last evaluated: 2023-07-17. Review status: criteria provided, single submitter. Criteria: ACMG Guidelines, 2015. Collection method: clinical testing. Allele origin: germline.

Genome-Nilou Lab
Classification: Uncertain significance for Cohen syndrome. Last evaluated: 2021-07-22. Review status: criteria provided, single submitter. Criteria: ACMG Guidelines, 2015. Collection method: clinical testing. Allele origin: germline. Affected: no.

Illumina Laboratory Services, Illumina
Classification: Uncertain significance for Cohen syndrome. Last evaluated: 2018-01-13. Review status: criteria provided, single submitter. Criteria: ICSL Variant Classification Criteria 13 December 2019. Collection method: clinical testing. Allele origin: germline.

PreventionGenetics, part of Exact Sciences
Classification: Likely benign for VPS13B-related condition. Last evaluated: 2022-03-01. Review status: no assertion criteria provided. Collection method: clinical testing. Allele origin: germline. Not counted in ClinVar's aggregate classification.
Comment: This variant is classified as likely benign based on ACMG/AMP sequence variant interpretation guidelines (Richards et al. 2015 PMID: 25741868, with internal and published modifications).

Natera, Inc.
Classification: Benign for Cohen syndrome. Last evaluated: 2019-11-11. Review status: no assertion criteria provided. Collection method: clinical testing. Allele origin: germline. Not counted in ClinVar's aggregate classification.

NM_152564.5(VPS13B):c.4861C>T (p.Pro1621Ser)

Gene: VPS13B (vacuolar protein sorting 13 homolog B; plus strand). Cytogenetic location: 8q22.2.
Variant type: single nucleotide variant.
Coding change: c.4861C>T on transcript NM_152564.5 (MANE Select); coding-DNA position 4861, C replaced by T.
Protein change: p.Pro1621Ser; replaces proline 1621 with serine.
Molecular consequence: missense variant.
Genome position (GRCh38, 1-based): chr8:99,556,565, C>T. VCF-style: chr8-99556565-C-T. GRCh37 (hg19) VCF-style: chr8-100568793-C-T.
Other names: c.4936C>T, p.Pro1646Ser (NM_017890.5); c.4861C>T (NM_152564.4); short protein forms P1621S, P1646S.
Identifiers: ClinVar variation 361064 (VCV000361064.25), dbSNP rs563705133, ClinGen allele CA4823669.